The following is an entry in ClinVar:

NM_000427.3(LORICRIN):c.673dup (p.Tyr225fs)

Gene: LORICRIN (loricrin cornified envelope precursor protein; plus strand). Cytogenetic location: 1q21.3.
Variant type: Duplication.
Coding change: c.673dup on transcript NM_000427.3 (MANE Select); coding-DNA position 673, one base duplicated (T; older notation c.673dupT).
Protein change: p.Tyr225fs; shifts the reading frame from tyrosine 225.
Molecular consequence: frameshift variant.
Genome position (GRCh38, 1-based): chr1:153,261,622, T duplicated; the last of 2 consecutive T bases (chr1:153,261,621-153,261,622); duplicating either gives the same sequence. VCF-style (leftmost placement, unchanged base first): chr1-153261620-G-GT. GRCh37 (hg19) VCF-style: chr1-153234096-G-GT.
Other names: short protein forms Y225fs.
Identifiers: ClinVar variation 817409 (VCV000817409.1), dbSNP rs1571081028, ClinGen allele CA915941432.
Genomic context (GRCh38, chr1:153,261,620, plus strand): 5'-GCGGCTCCGGCTACGTCTCCTCGCAGCAGGTCACTCAGACCTCGTGCGCGCCCCAGCCGA[G>GT]TTACGGAGGGGGGTCGTCCGGCGGCGGCGGCAGCGGCGGAAGCGGCTGCTTCTCCAGCGG-3'

ClinVar aggregate classification (germline): Likely pathogenic (1 of 4 stars; one submission).

Submission:

GeneDx
Classification: Likely pathogenic. Last evaluated: 2019-01-14. Review status: criteria provided, single submitter. Criteria: GeneDx Variant Classification (06012015). Collection method: clinical testing. Allele origin: germline. Affected: yes.
Comment: The c.673dupT variant in the LOR gene has not been reported previously as a pathogenic variant, nor as a benign variant, to our knowledge. It was also not observed in large population cohorts (Lek et al., 2016). The c.673dupT variant causes a frameshift starting with codon Tyrosine 225, changes this amino acid to a Leucine residue, and creates a Stop codon at position 111 of the new reading frame, denoted p.Tyr225LeufsX111. This frameshift variant replaces the last 88 amino acid residues of the C-terminus of lorcrin with aberrant residues and elongates the protein. Other pathogenic frameshift variants in the tail region have been previously reported in patients with loricrin keratoderma, which were shown to cause accumulation of lorcrin in the nucleus (Stenson et al., 2014; Khalil et al., 2017). We interpret c.673dupT as a likely pathogenic variant.